The following is an entry in ClinVar:

ClinVar aggregate classification (germline): Pathogenic (1 of 4 stars; one submission).

Submission:

Labcorp Genetics (formerly Invitae), Labcorp
Classification: Pathogenic. Last evaluated: 2021-09-21. Review status: criteria provided, single submitter. Criteria: Invitae Variant Classification Sherloc (09022015). Collection method: clinical testing. Allele origin: germline.
Comment: For these reasons, this variant has been classified as Pathogenic. This variant disrupts a region of the MNX1 protein in which other variant(s) (p.Glu282*) have been determined to be pathogenic (PMID: 16906559). This suggests that this is a clinically significant region of the protein, and that variants that disrupt it are likely to be disease-causing. This premature translational stop signal has been observed in individual(s) with clinical features of Currarino syndrome (Invitae). This variant is not present in population databases (ExAC no frequency). This sequence change creates a premature translational stop signal (p.Phe229Serfs*57) in the MNX1 gene. While this is not anticipated to result in nonsense mediated decay, it is expected to disrupt the last 173 amino acid(s) of the MNX1 protein.

Literature cited by the submitters: PubMed 16906559.

NM_005515.4(MNX1):c.686del (p.Phe229fs)

Gene: MNX1 (motor neuron and pancreas homeobox 1; minus strand). Cytogenetic location: 7q36.3.
Variant type: Deletion.
Coding change: c.686del on transcript NM_005515.4 (MANE Select); coding-DNA position 686, one base deleted (T; older notation c.686delT).
Protein change: p.Phe229fs; shifts the reading frame from phenylalanine 229.
Molecular consequence: frameshift variant.
Genome position (GRCh38, 1-based): chr7:157,009,665, A deleted on the plus strand (T on the coding strand, the reverse complement: MNX1 is on the minus strand); the first of 2 consecutive A bases (chr7:157,009,665-157,009,666); deleting either gives the same sequence. VCF-style (leftmost placement, unchanged base first): chr7-157009664-GA-G. GRCh37 (hg19) VCF-style: chr7-156802358-GA-G.
Other names: short protein forms F229fs.
Identifiers: ClinVar variation 1452803 (VCV001452803.6), dbSNP rs2134845840, ClinGen allele CA2573141898.